The following is an entry in ClinVar:

NM_052844.4(DYNC2I2):c.215C>T (p.Thr72Ile)

Gene: DYNC2I2 (dynein 2 intermediate chain 2; minus strand). Cytogenetic location: 9q34.11.
Variant type: single nucleotide variant.
Coding change: c.215C>T on transcript NM_052844.4 (MANE Select); coding-DNA position 215, C replaced by T.
Protein change: p.Thr72Ile; replaces threonine 72 with isoleucine.
Molecular consequence: missense variant.
Genome position (GRCh38, 1-based): chr9:128,640,911, G>A on the plus strand (C>T on the coding strand, the complement: DYNC2I2 is on the minus strand). VCF-style: chr9-128640911-G-A. GRCh37 (hg19) VCF-style: chr9-131403190-G-A.
Other names: short protein forms T72I.
Identifiers: ClinVar variation 2053626 (VCV002053626.4), dbSNP rs749438539, ClinGen allele CA5266701.

ClinVar aggregate classification (germline): Uncertain significance (1 of 4 stars; one submission).

Conditions:
Short-rib thoracic dysplasia 11 with or without polydactyly (SRTD11). Also called: SHORT-RIB THORACIC DYSPLASIA 11 WITHOUT POLYDACTYLY. Identifiers: Orphanet 474, Orphanet 93271, MedGen C3810200, MONDO:0014287, OMIM 615633.

Allele frequency attached by ClinVar (database versions not stated): gnomAD exomes 0.00002; ExAC 0.00003; TOPMed 0.00003.
gnomAD v4.1: 13 of 1,600,690 alleles (0.00081%); highest among the groups gnomAD compares: Admixed American, 0.019%; no homozygotes.

Submission:

Labcorp Genetics (formerly Invitae), Labcorp
Classification: Uncertain significance for Short-rib thoracic dysplasia 11 with or without polydactyly. Last evaluated: 2025-11-02. Review status: criteria provided, single submitter. Criteria: Invitae Variant Classification Sherloc (09022015). Collection method: clinical testing. Allele origin: germline.
Comment: This sequence change replaces threonine, which is neutral and polar, with isoleucine, which is neutral and non-polar, at codon 72 of the WDR34 protein (p.Thr72Ile). This variant is present in population databases (rs749438539, gnomAD 0.04%). This variant has not been reported in the literature in individuals affected with WDR34-related conditions. ClinVar contains an entry for this variant (Variation ID: 2053626). An algorithm developed to predict the effect of missense changes on protein structure and function (PolyPhen-2) suggests that this variant is likely to be disruptive. In summary, the available evidence is currently insufficient to determine the role of this variant in disease. Therefore, it has been classified as a Variant of Uncertain Significance.